The following is an entry in ClinVar:

ClinVar aggregate classification (germline): Uncertain significance (1 of 4 stars; one submission).

Submission:

Ambry Genetics
Classification: Uncertain significance. Last evaluated: 2021-11-15. Review status: criteria provided, single submitter. Criteria: Ambry Variant Classification Scheme 2023. Collection method: clinical testing. Allele origin: germline.
Comment: The p.I1647V variant (also known as c.4939A>G), located in coding exon 43 of the KIF1B gene, results from an A to G substitution at nucleotide position 4939. The isoleucine at codon 1647 is replaced by valine, an amino acid with highly similar properties. This amino acid position is highly conserved in available vertebrate species. In addition, this alteration is predicted to be tolerated by in silico analysis. Since supporting evidence is limited at this time, the clinical significance of this alteration remains unclear.

NM_001365951.3(KIF1B):c.5077A>G (p.Ile1693Val)

Gene: KIF1B (kinesin family member 1B; plus strand). Cytogenetic location: 1p36.22.
Variant type: single nucleotide variant.
Coding change: c.5077A>G on transcript NM_001365951.3 (MANE Select); coding-DNA position 5077, A replaced by G.
Protein change: p.Ile1693Val; replaces isoleucine 1693 with valine.
Molecular consequence: missense variant.
Genome position (GRCh38, 1-based): chr1:10,374,446, A>G. VCF-style: chr1-10374446-A-G. GRCh37 (hg19) VCF-style: chr1-10434504-A-G.
Other names: c.5077A>G, p.Ile1693Val (NM_001365952.1); c.4939A>G, p.Ile1647Val (NM_015074.3); short protein forms I1647V, I1693V.
Identifiers: ClinVar variation 1744243 (VCV001744243.2), dbSNP rs2521978415, ClinGen allele CA338329779.